The following is an entry in ClinVar:

ClinVar aggregate classification (germline): Pathogenic. Review status: criteria provided, multiple submitters, no conflicts (2 of 4 stars). 2 submissions from 2 submitters: Pathogenic (2). Last evaluated 2025-01-20.

Conditions:
Hereditary cancer-predisposing syndrome. Also called: Hereditary Cancer Syndrome; Neoplastic Syndromes, Hereditary; Hereditary neoplastic syndrome; Tumor predisposition. Identifiers: Orphanet 140162, MedGen C0027672, MeSH D009386, MONDO:0015356.
Tumor predisposition syndrome 3 (TPDS3). Also called: LONG TELOMERE SYNDROME, POT1-RELATED; POT1 Tumor Predisposition; Glioma susceptibility 9; Melanoma, cutaneous malignant, susceptibility to, 10. Identifiers: Orphanet 618, MedGen C4014476, MONDO:0014368, OMIM 615848.

Submissions (2):

Labcorp Genetics (formerly Invitae), Labcorp
Classification: Pathogenic for Tumor predisposition syndrome 3. Last evaluated: 2025-01-20. Review status: criteria provided, single submitter. Criteria: Invitae Variant Classification Sherloc (09022015). Collection method: clinical testing. Allele origin: germline.
Comment: This sequence change creates a premature translational stop signal (p.Gln94Glyfs*13) in the POT1 gene. It is expected to result in an absent or disrupted protein product. Loss-of-function variants in POT1 are known to be pathogenic (PMID: 32155570). This variant is not present in population databases (gnomAD no frequency). This premature translational stop signal has been observed in individual(s) with cutaneous melanoma and uveal melanoma (PMID: 32907878). This variant is also known as c.281_282del. ClinVar contains an entry for this variant (Variation ID: 1452034). For these reasons, this variant has been classified as Pathogenic.

Ambry Genetics
Classification: Pathogenic for Hereditary cancer-predisposing syndrome. Last evaluated: 2023-07-10. Review status: criteria provided, single submitter. Criteria: Ambry Variant Classification Scheme 2023. Collection method: clinical testing. Allele origin: germline.
Comment: The c.279_280delTC pathogenic mutation, located in coding exon 4 of the POT1 gene, results from a deletion of two nucleotides at nucleotide positions 279 to 280, causing a translational frameshift with a predicted alternate stop codon (p.Q94Gfs*13). This variant is considered to be rare based on population cohorts in the Genome Aggregation Database (gnomAD). This alteration is expected to result in loss of function by premature protein truncation or nonsense-mediated mRNA decay. As such, this alteration is interpreted as a disease-causing mutation.

Literature cited by the submitters: PubMed 32155570 (cited by Labcorp Genetics (formerly Invitae), Labcorp); PubMed 32907878 (cited by Labcorp Genetics (formerly Invitae), Labcorp).

NM_015450.3(POT1):c.279_280del (p.Gln94fs)

Gene: POT1 (protection of telomeres 1; minus strand). Cytogenetic location: 7q31.33.
Variant type: Deletion.
Coding change: c.279_280del on transcript NM_015450.3 (MANE Select); coding-DNA positions 279 to 280, 2 bases deleted (TC; older notation c.279_280delTC).
Protein change: p.Gln94fs; shifts the reading frame from glutamine 94.
Molecular consequence: frameshift variant. On other transcripts: 5 prime UTR variant (1), non-coding transcript variant (3).
Genome position (GRCh38, 1-based): chr7:124,863,616-124,863,617, GA deleted on the plus strand (TC on the coding strand, the reverse complement: POT1 is on the minus strand); deleting any 2 consecutive bases within chr7:124,863,616-124,863,618 gives the same sequence; the c. name uses the placement nearest the transcript's 3' end. VCF-style (leftmost placement, unchanged base first): chr7-124863615-TGA-T. GRCh37 (hg19) VCF-style: chr7-124503669-TGA-T.
Other names: c.279_280delTC (NM_015450.2); c.-115_-114del (NM_001042594.2); short protein forms Q94fs.
Identifiers: ClinVar variation 1452034 (VCV001452034.8), dbSNP rs2116542675, ClinGen allele CA2573141681.